The following is an entry in ClinVar:

ClinVar aggregate classification (germline): Uncertain significance (1 of 4 stars; one submission).

Conditions:
Cardiovascular phenotype. Identifiers: MedGen CN230736.
Hereditary cancer-predisposing syndrome. Also called: Neoplastic Syndromes, Hereditary; Tumor predisposition; Hereditary Cancer Syndrome; Hereditary neoplastic syndrome. Identifiers: Orphanet 140162, MedGen C0027672, MeSH D009386, MONDO:0015356.

gnomAD v4.1: 1 of 1,614,002 alleles (0.000062%); highest among the groups gnomAD compares: Non-Finnish European, 0.000085%; no homozygotes.

Submission:

Ambry Genetics
Classification: Uncertain significance for Cardiovascular phenotype; Hereditary cancer-predisposing syndrome. Last evaluated: 2026-05-24. Review status: criteria provided, single submitter. Criteria: Ambry Variant Classification Scheme 2023. Collection method: clinical testing. Allele origin: germline.
Comment: The p.Y81N variant (also known as c.241T>A), located in coding exon 2 of the LZTR1 gene, results from a T to A substitution at nucleotide position 241. The tyrosine at codon 81 is replaced by asparagine, an amino acid with dissimilar properties. This amino acid position is conserved. In addition, this alteration is predicted to be deleterious by in silico analysis. Based on the available evidence, the clinical significance of this variant remains unclear.

NM_006767.4(LZTR1):c.241T>A (p.Tyr81Asn)

Gene: LZTR1 (leucine zipper like post translational regulator 1; plus strand). Cytogenetic location: 22q11.21.
Variant type: single nucleotide variant.
Coding change: c.241T>A on transcript NM_006767.4 (MANE Select); coding-DNA position 241, T replaced by A.
Protein change: p.Tyr81Asn; replaces tyrosine 81 with asparagine.
Molecular consequence: missense variant.
Genome position (GRCh38, 1-based): chr22:20,983,067, T>A. VCF-style: chr22-20983067-T-A. GRCh37 (hg19) VCF-style: chr22-21337356-T-A.
Other names: short protein forms Y81N.
Identifiers: ClinVar variation 4859419 (VCV004859419.1).